The following is an entry in ClinVar:

NM_004655.4(AXIN2):c.2451G>A (p.Val817=)

Gene: AXIN2 (axin 2; minus strand). Cytogenetic location: 17q24.1.
Variant type: single nucleotide variant.
Coding change: c.2451G>A on transcript NM_004655.4 (MANE Select); coding-DNA position 2451, G replaced by A.
Protein change: p.Val817=; no amino-acid change (valine 817 retained).
Molecular consequence: synonymous variant.
Genome position (GRCh38, 1-based): chr17:65,530,057, C>T on the plus strand (G>A on the coding strand, the complement: AXIN2 is on the minus strand). VCF-style: chr17-65530057-C-T. GRCh37 (hg19) VCF-style: chr17-63526175-C-T.
Other names: c.2256G>A, p.Val752= (NM_001363813.1).
Identifiers: ClinVar variation 1113353 (VCV001113353.10), dbSNP rs2144391460, ClinGen allele CA501475732.
Genomic context (GRCh38, chr17:65,530,057, plus strand): 5'-GCCCAGAATCCGGCCTTCATACATCGGGAGCACCGTCTCATCCTCCCAGATCTCCTCAAA[C>T]ACCGCTCCACAGGCAAACTCATCGCTTGCTTTTTTGAAGTAATACCTTAAAAGGAAAACC-3'
Protein context (NP_004646.3, residues 807-827): KASDEFACGA[Val817=]FEEIWEDETV

ClinVar aggregate classification (germline): Benign/Likely benign. Review status: criteria provided, multiple submitters, no conflicts (2 of 4 stars). 2 submissions from 2 submitters: Benign (1); Likely benign (1). Last evaluated 2024-07-11.

Conditions:
Oligodontia-cancer predisposition syndrome. Also called: TOOTH AGENESIS-COLORECTAL CANCER SYNDROME. Identifiers: Orphanet 300576, MedGen C1837750, MONDO:0012075, OMIM 608615. Disease mechanism: loss of function.

Submissions (2):

Myriad Genetics, Inc.
Classification: Benign for Oligodontia-cancer predisposition syndrome. Last evaluated: 2024-07-11. Review status: criteria provided, single submitter. Criteria: Myriad Autosomal Dominant, Autosomal Recessive and X-Linked Classification Criteria (2023). Collection method: clinical testing. Allele origin: unknown.
Comment: This variant is considered benign. This variant is a silent/synonymous amino acid change and it is not expected to impact splicing.

Labcorp Genetics (formerly Invitae), Labcorp
Classification: Likely benign for Oligodontia-cancer predisposition syndrome. Last evaluated: 2020-07-13. Review status: criteria provided, single submitter. Criteria: Invitae Variant Classification Sherloc (09022015). Collection method: clinical testing. Allele origin: germline.